The following is an entry in ClinVar:

ClinVar aggregate classification (germline): Uncertain significance (1 of 4 stars; one submission).

gnomAD v4.1: 81 of 1,610,332 alleles (0.005%); highest among the groups gnomAD compares: South Asian, 0.036%; 1 homozygote.

Submission:

GeneDx
Classification: Uncertain significance. Last evaluated: 2023-05-11. Review status: criteria provided, single submitter. Criteria: GeneDx Variant Classification Process June 2021. Collection method: clinical testing. Allele origin: germline. Affected: yes.
Comment: In silico analysis supports that this missense variant has a deleterious effect on protein structure/function; Has not been previously published as pathogenic or benign to our knowledge

NM_001271938.2(MEGF8):c.3598G>A (p.Gly1200Ser)

Gene: MEGF8 (multiple EGF like domains 8; plus strand). Cytogenetic location: 19q13.2.
Variant type: single nucleotide variant.
Coding change: c.3598G>A on transcript NM_001271938.2 (MANE Select); coding-DNA position 3598, G replaced by A.
Protein change: p.Gly1200Ser; replaces glycine 1200 with serine.
Molecular consequence: missense variant.
Genome position (GRCh38, 1-based): chr19:42,353,512, G>A. VCF-style: chr19-42353512-G-A. GRCh37 (hg19) VCF-style: chr19-42857664-G-A.
Other names: c.3397G>A, p.Gly1133Ser (NM_001410.3); short protein forms G1133S, G1200S.
Identifiers: ClinVar variation 3343487 (VCV003343487.1).